The following is an entry in ClinVar:

NM_001374828.1(ARID1B):c.1688del (p.Gly563fs)

Gene: ARID1B (AT-rich interaction domain 1B; plus strand). Cytogenetic location: 6q25.3.
Variant type: Deletion.
Coding change: c.1688del on transcript NM_001374828.1 (MANE Select); coding-DNA position 1688, one base deleted (G; older notation c.1688delG).
Protein change: p.Gly563fs; shifts the reading frame from glycine 563.
Molecular consequence: frameshift variant.
Genome position (GRCh38, 1-based): chr6:156,779,368, G deleted; the last of 3 consecutive G bases (chr6:156,779,366-156,779,368); deleting any one gives the same sequence. VCF-style (leftmost placement, unchanged base first): chr6-156779365-TG-T. GRCh37 (hg19) VCF-style: chr6-157100499-TG-T.
Other names: c.1439del (NM_020732.3); c.1688del, p.Gly563fs (NM_001371656.1, NM_001374820.1, NM_017519.3); short protein forms G563fs.
Identifiers: ClinVar variation 1702817 (VCV001702817.2), dbSNP rs2115003731, ClinGen allele CA2580075283.
Genomic context (GRCh38, chr6:156,779,365, plus strand): 5'-CGGCGGGGGCGGCGGCGGGCGGCCAGCAGGCGGCCGCGGGCATGGGCTTGGGCAAGGACA[TG>T]GGCGCCCAGTACGCCGCTGCCAGCCCGGCCTGGGCGGCCGCGCAACAAAGGAGTCACCCG-3'

ClinVar aggregate classification (germline): Pathogenic (1 of 4 stars; one submission).

Submission:

GeneDx
Classification: Pathogenic. Last evaluated: 2022-08-16. Review status: criteria provided, single submitter. Criteria: GeneDx Variant Classification Process June 2021. Collection method: clinical testing. Allele origin: germline. Affected: yes.
Comment: Frameshift variant predicted to result in protein truncation or nonsense mediated decay in a gene for which loss-of-function is a known mechanism of disease; Not observed in large population cohorts (gnomAD); This variant is associated with the following publications: (PMID: 27474218)